The following is an entry in ClinVar:

NM_021224.6(ZNF462):c.5631C>A (p.Asp1877Glu)

Gene: ZNF462 (zinc finger protein 462; plus strand). Cytogenetic location: 9q31.2.
Variant type: single nucleotide variant.
Coding change: c.5631C>A on transcript NM_021224.6 (MANE Select); coding-DNA position 5631, C replaced by A.
Protein change: p.Asp1877Glu; replaces aspartic acid 1877 with glutamic acid.
Molecular consequence: missense variant. On other transcripts: intron variant (1).
Genome position (GRCh38, 1-based): chr9:106,929,543, C>A. VCF-style: chr9-106929543-C-A. GRCh37 (hg19) VCF-style: chr9-109691824-C-A.
Other names: c.3253-982C>A (NM_001347997.2); short protein forms D1877E.
Identifiers: ClinVar variation 1310111 (VCV001310111.2), dbSNP rs2131516673, ClinGen allele CA374416620.

ClinVar aggregate classification (germline): Uncertain significance (1 of 4 stars; one submission).

Submission:

GeneDx
Classification: Uncertain significance. Last evaluated: 2019-11-04. Review status: criteria provided, single submitter. Criteria: GeneDx Variant Classification Process June 2021. Collection method: clinical testing. Allele origin: germline. Affected: yes.
Comment: Not observed in large population cohorts (Lek et al., 2016); In silico analysis, which includes protein predictors and evolutionary conservation, supports that this variant does not alter protein structure/function; Has not been previously published as pathogenic or benign to our knowledge